The following is an entry in ClinVar:

ClinVar aggregate classification (germline): Pathogenic (1 of 4 stars; one submission).

Conditions:
Hereditary cancer-predisposing syndrome. Also called: Hereditary Cancer Syndrome; Neoplastic Syndromes, Hereditary; Tumor predisposition; Hereditary neoplastic syndrome. Identifiers: Orphanet 140162, MedGen C0027672, MeSH D009386, MONDO:0015356.

Submission:

Ambry Genetics
Classification: Pathogenic for Hereditary cancer-predisposing syndrome. Last evaluated: 2020-09-04. Review status: criteria provided, single submitter. Criteria: Ambry Variant Classification Scheme 2023. Collection method: clinical testing. Allele origin: germline.
Comment: The c.538delG pathogenic mutation, located in coding exon 3 of the MSH6 gene, results from a deletion of one nucleotide at nucleotide position 538, causing a translational frameshift with a predicted alternate stop codon (p.D180Mfs*4). This alteration is expected to result in loss of function by premature protein truncation or nonsense-mediated mRNA decay. As such, this alteration is interpreted as a disease-causing mutation.

NM_000179.3(MSH6):c.538del (p.Asp180fs)

Gene: MSH6 (mutS homolog 6; plus strand). Cytogenetic location: 2p16.3.
Variant type: Deletion.
Coding change: c.538del on transcript NM_000179.3 (MANE Select); coding-DNA position 538, one base deleted (G; older notation c.538delG).
Protein change: p.Asp180fs; shifts the reading frame from aspartic acid 180.
Molecular consequence: frameshift variant. On other transcripts: 5 prime UTR variant (1), intron variant (2).
Genome position (GRCh38, 1-based): chr2:47,795,974, G deleted. VCF-style (leftmost placement, unchanged base first): chr2-47795973-AG-A. GRCh37 (hg19) VCF-style: chr2-48023112-AG-A.
Other names: c.241delG, p.Asp81Metfs (NM_001406825.1, NM_001406821.1, NM_001406822.1 and 10 more transcripts); c.-365del (NM_001281494.2); c.634delG, p.Asp212Metfs (NM_001406795.1, NM_001406802.1); c.538delG, p.Asp180Metfs (NM_001406796.1, NM_001406798.1, NM_001406800.1 and 5 more transcripts); c.13delG, p.Asp5Metfs (NM_001406799.1, NM_001406806.1, NM_001406807.1); c.460delG, p.Asp154Metfs (NM_001406804.1); c.544delG, p.Asp182Metfs (NM_001406813.1); c.-457delG (NM_001406814.1); and 3 more; short protein forms D180fs.
Identifiers: ClinVar variation 1747217 (VCV001747217.2), dbSNP rs2530519568, ClinGen allele CA2580066782.